The following is an entry in ClinVar:

ClinVar aggregate classification (germline): Pathogenic (1 of 4 stars; one submission).

Conditions:
Neurofibromatosis, type 1 (NF1). Also called: NEUROFIBROMATOSIS, TYPE I, SOMATIC; Neurofibromatosis, type I; Peripheral type neurofibromatosis; VON RECKLINGHAUSEN DISEASE. Identifiers: Orphanet 636, MedGen C0027831, MONDO:0018975, OMIM 162200. Disease mechanism: loss of function.

Submission:

Labcorp Genetics (formerly Invitae), Labcorp
Classification: Pathogenic for Neurofibromatosis, type 1. Last evaluated: 2025-11-11. Review status: criteria provided, single submitter. Criteria: Invitae Variant Classification Sherloc (09022015). Collection method: clinical testing. Allele origin: germline.
Comment: This sequence change creates a premature translational stop signal (p.Asn45Phefs*10) in the NF1 gene. It is expected to result in an absent or disrupted protein product. Loss-of-function variants in NF1 are known to be pathogenic (PMID: 10712197, 23913538). This variant is not present in population databases (gnomAD no frequency). This variant has not been reported in the literature in individuals affected with NF1-related conditions. ClinVar contains an entry for this variant (Variation ID: 2027838). For these reasons, this variant has been classified as Pathogenic.

Literature cited by the submitters: PubMed 10712197; PubMed 23913538.

NM_001042492.3(NF1):c.132_135del (p.Asn45fs)

Gene: NF1 (neurofibromin 1; plus strand). Cytogenetic location: 17q11.2.
Variant type: Deletion.
Coding change: c.132_135del on transcript NM_001042492.3 (MANE Select); coding-DNA positions 132 to 135, 4 bases deleted (CAAT; older notation c.132_135delCAAT).
Protein change: p.Asn45fs; shifts the reading frame from asparagine 45.
Molecular consequence: frameshift variant.
Genome position (GRCh38, 1-based): chr17:31,156,054-31,156,057, CAAT deleted; deleting any 4 consecutive bases within chr17:31,156,051-31,156,057 gives the same sequence; the c. name uses the placement nearest the transcript's 3' end. VCF-style (leftmost placement, unchanged base first): chr17-31156050-TAATC-T. GRCh37 (hg19) VCF-style: chr17-29483068-TAATC-T.
Other names: c.132_135delCAAT, p.Asn45Phefs (NM_000267.4); c.132_135del, p.Asn45fs (NM_001128147.3); short protein forms N45fs.
Identifiers: ClinVar variation 2027838 (VCV002027838.4), dbSNP rs2544681269, ClinGen allele CA2580092810.